The following is an entry in ClinVar:

NM_206933.4(USH2A):c.13713A>G (p.Glu4571=)

Gene: USH2A (usherin; minus strand). Cytogenetic location: 1q41.
Variant type: single nucleotide variant.
Coding change: c.13713A>G on transcript NM_206933.4 (MANE Select); coding-DNA position 13713, A replaced by G.
Protein change: p.Glu4571=; no amino-acid change (glutamic acid 4571 retained).
Molecular consequence: synonymous variant.
Genome position (GRCh38, 1-based): chr1:215,674,198, T>C on the plus strand (A>G on the coding strand, the complement: USH2A is on the minus strand). VCF-style: chr1-215674198-T-C. GRCh37 (hg19) VCF-style: chr1-215847540-T-C.
Identifiers: ClinVar variation 2639897 (VCV002639897.24), dbSNP rs777767986, ClinGen allele CA1393238.
Genomic context (GRCh38, chr1:215,674,198, plus strand): 5'-CATACCAAAAGAATTATGAGTTGTGTTTATGTGTATGATTTTAGTTTCTCTTTCAAATAG[T>C]TCACGGATGAAGAGGGTATAATTGATGATATCACCATTTGTTCTCACTGGAGGGTCCCAG-3'
Protein context (NP_996816.3, residues 4561-4581): DIINYTLFIR[Glu4571=]LFERETKIIH

ClinVar aggregate classification (germline): Likely benign (1 of 4 stars; one submission).

Allele frequency attached by ClinVar (database versions not stated): gnomAD exomes below 0.00001; ExAC 0.00001.
gnomAD v4.1: 4 of 1,614,150 alleles (0.00025%); highest among the groups gnomAD compares: South Asian, 0.0044%; no homozygotes.

Submission:

CeGaT Center for Human Genetics Tuebingen
Classification: Likely benign. Last evaluated: 2023-06-01. Review status: criteria provided, single submitter. Criteria: CeGaT Center For Human Genetics Tuebingen Variant Classification Criteria Version 2. Collection method: clinical testing. Allele origin: germline. Affected: yes. Observed: 1 variant allele.
Comment: USH2A: BP4, BP7